The following is an entry in ClinVar:

NM_001267550.2(TTN):c.53848dup (p.Leu17950fs)

Genes: TTN-AS1 (TTN antisense RNA 1; plus strand), TTN (titin; minus strand). Cytogenetic location: 2q31.2.
Variant type: Duplication.
Coding change: c.53848dup on transcript NM_001267550.2 (MANE Select); coding-DNA position 53848, one base duplicated (C; older notation c.53848dupC).
Protein change: p.Leu17950fs; shifts the reading frame from leucine 17950.
Molecular consequence: frameshift variant.
Genome position (GRCh38, 1-based): chr2:178,605,447, G duplicated on the plus strand (C on the coding strand, the reverse complement: TTN is on the minus strand); the first of 3 consecutive G bases (chr2:178,605,447-178,605,449); duplicating any one gives the same sequence. VCF-style (leftmost placement, unchanged base first): chr2-178605446-A-AG. GRCh37 (hg19) VCF-style: chr2-179470173-A-AG.
Other names: c.46144dup, p.Leu15382fs (NM_133378.4); c.27028dup, p.Leu9010fs (NM_133432.3); c.27229dup, p.Leu9077fs (NM_133437.4); c.48925dup, p.Leu16309fs (NM_001256850.1); c.26653dup, p.Leu8885fs (NM_003319.4); c.53848dupC (NM_001267550.2); short protein forms L16309fs, L9010fs, L9077fs, L8885fs, L15382fs, L17950fs.
Identifiers: ClinVar variation 466637 (VCV000466637.10), dbSNP rs1553682760, ClinGen allele CA658657161.
Genomic context (GRCh38, chr2:178,605,446, plus strand): 5'-AAATTATTATTATATTCAGATTCCGCACCTTCATCATCTTGTATGACTACATTAAGAGGT[A>AG]GGGATGGTTCACTTTCACCAATTTCATTGACAGCTTTGACACGGAACTCATACATTTGGT-3'

ClinVar aggregate classification (germline): Likely pathogenic. Review status: criteria provided, single submitter (1 of 4 stars). 2 submissions from 1 submitter: Likely pathogenic (2). Last evaluated 2017-07-25.

Conditions:
Dilated cardiomyopathy 1G (CMD1G). Identifiers: Orphanet 154, MedGen C1858763, MONDO:0011400, OMIM 604145.
Autosomal recessive limb-girdle muscular dystrophy type 2J (LGMDR10). Also called: Limb-girdle muscular dystrophy, type 2J; MUSCULAR DYSTROPHY, LIMB-GIRDLE, AUTOSOMAL RECESSIVE 10. Identifiers: Orphanet 140922, MedGen C1837342, MONDO:0012127, OMIM 608807.

Submissions (2):

Labcorp Genetics (formerly Invitae), Labcorp
Classification: Likely pathogenic for Dilated cardiomyopathy 1G. Last evaluated: 2017-07-25. Review status: criteria provided, single submitter. Criteria: Invitae Variant Classification Sherloc (09022015). Collection method: clinical testing. Allele origin: germline.
Comment: This sequence change creates a premature translational stop signal (p.Leu17950Profs*4) in the TTN gene. It is expected to result in an absent or disrupted protein product. This variant is not present in population databases (ExAC no frequency). This variant has not been reported in the literature in individuals with TTN-related disease. This variant is found in the A-band of this gene. While this particular variant has not been reported in the literature, truncating variants in the A-band of TTN are significantly overrepresented in patients with dilated cardiomyopathy and are considered to be likely pathogenic for the disease (PMID: 25589632). In summary, the currently available evidence indicates that the variant is pathogenic, but additional data are needed to prove that conclusively. Therefore, this variant has been classified as Likely Pathogenic.

Labcorp Genetics (formerly Invitae), Labcorp
Classification: Likely pathogenic for Dilated cardiomyopathy 1G; Autosomal recessive limb-girdle muscular dystrophy type 2J. Last evaluated: 2017-07-10. Review status: criteria provided, single submitter. Criteria: Invitae Variant Classification Sherloc (09022015). Collection method: clinical testing. Allele origin: germline.
Comment: In summary, the currently available evidence indicates that the variant is pathogenic, but additional data are needed to prove that conclusively. Therefore, this variant has been classified as Likely Pathogenic. This variant is found in the A-band of this gene. While this particular variant has not been reported in the literature, truncating variants in the A-band of TTN are significantly overrepresented in patients with dilated cardiomyopathy and are considered to be likely pathogenic for the disease (PMID: 25589632). This variant has not been reported in the literature in individuals with TTN-related disease. This variant is not present in population databases (ExAC no frequency). This sequence change creates a premature translational stop signal (p.Leu17950Profs*4) in the TTN gene. It is expected to result in an absent or disrupted protein product.

Literature cited by the submitters: PubMed 25589632.